The following is an entry in ClinVar:

ClinVar aggregate classification (germline): Likely pathogenic. Review status: criteria provided, single submitter (1 of 4 stars). 2 submissions from 2 submitters: Likely pathogenic (1). 1 of the submissions does not count toward it. Last evaluated 2017-12-31.

Conditions:
Developmental and epileptic encephalopathy, 25 (DEE25). Also called: Developmental and epileptic encephalopathy 25, with amelogenesis imperfecta; Epileptic encephalopathy, early infantile, 25, with amelogenesis imperfecta; Epileptic encephalopathy, early infantile, 25. Identifiers: Orphanet 442835, MedGen C4014621, MONDO:0014392, OMIM 615905.

Allele frequency attached by ClinVar (database versions not stated): gnomAD exomes below 0.00001.
gnomAD v4.1: 1 of 1,612,262 alleles (0.000062%); highest among the groups gnomAD compares: Non-Finnish European, 0.000085%; no homozygotes.

Submissions (2):

Baylor Genetics
Classification: Likely pathogenic for Developmental and epileptic encephalopathy, 25. Last evaluated: 2017-12-31. Review status: criteria provided, single submitter. Criteria: ACMG Guidelines, 2015. Collection method: clinical testing. Allele origin: germline. Affected: yes.

Lupski Lab, Baylor-Hopkins CMG, Baylor College of Medicine
Classification: Pathogenic for Developmental and epileptic encephalopathy, 25. Review status: no assertion criteria provided. Collection method: research. Allele origin: germline. Inheritance: Autosomal recessive inheritance. Affected: yes. Not counted in ClinVar's aggregate classification.

Literature cited by the submitters: PubMed 27261973 (cited by Baylor Genetics); PubMed 28673551 (cited by Baylor Genetics).

NM_177550.5(SLC13A5):c.1475T>C (p.Leu492Pro)

Gene: SLC13A5 (solute carrier family 13 member 5; minus strand). Cytogenetic location: 17p13.1.
Variant type: single nucleotide variant.
Coding change: c.1475T>C on transcript NM_177550.5 (MANE Select); coding-DNA position 1475, T replaced by C.
Protein change: p.Leu492Pro; replaces leucine 492 with proline.
Molecular consequence: missense variant. On other transcripts: intron variant (1).
Genome position (GRCh38, 1-based): chr17:6,687,629, A>G on the plus strand (T>C on the coding strand, the complement: SLC13A5 is on the minus strand). VCF-style: chr17-6687629-A-G. GRCh37 (hg19) VCF-style: chr17-6590948-A-G.
Other names: c.1424T>C, p.Leu475Pro (NM_001284509.2); c.1346T>C, p.Leu449Pro (NM_001284510.2); c.1438-1291T>C (NM_001143838.3); short protein forms L492P, L475P, L449P.
Identifiers: ClinVar variation 375390 (VCV000375390.2), dbSNP rs1057519449, ClinGen allele CA16044235.
Genomic context (GRCh38, chr17:6,687,629, plus strand): 5'-GCATTTGGAGGGGTGGCCACAGGCAACATGAAGGCAAAGGAGGCACTCAGGGTACAGGGC[A>G]GCATGATGTACAGCGGATTGAGGCCGATGGAGCGAGACTGCGGAAAAACAGCACTGCAAC-3'
Protein context (NP_808218.1, residues 482-502): SIGLNPLYIM[Leu492Pro]PCTLSASFAF